The following is an entry in ClinVar:

ClinVar aggregate classification (germline): Likely pathogenic. Review status: criteria provided, multiple submitters, no conflicts (2 of 4 stars). 3 submissions from 3 submitters: Likely pathogenic (3). Last evaluated 2022-01-01.

Conditions:
Hereditary ataxia. Also called: Hereditary Ataxias. Identifiers: Orphanet 183518, MedGen C0004138, MONDO:0100309, MONDO:0000557.
Hereditary spastic paraplegia 7 (SPG7). Also called: Autosomal recessive spastic paraplegia type 7; SPG7-related neurologic disorder; Spastic paraplegia 7; Hereditary spastic paraplegia Paraplegin type; SPASTIC PARAPLEGIA 7, AUTOSOMAL RECESSIVE, WITH OR WITHOUT CEREBELLAR ATAXIA. Identifiers: Orphanet 99013, MedGen C1846564, MONDO:0011803, OMIM 607259.

Submissions (3):

PROSPAX: an integrated multimodal progression  chart in spastic ataxias, Center for Neurology; Hertie-Institute for Clinical Brain Research
Classification: Likely pathogenic for Hereditary spastic paraplegia 7. Last evaluated: 2022-01-01. Review status: criteria provided, single submitter. Criteria: ACMG Guidelines, 2015. Collection method: research. Allele origin: germline. Affected: yes.
Comment: Variant seen in compound het: [c.1529C>T;c.1998del]

AURAGEN, Plan France Médecine Génomique
Classification: Likely pathogenic for Hereditary ataxia. Last evaluated: 2021-08-31. Review status: criteria provided, single submitter. Criteria: PFMG2025 (Lancet Reg Health Eur. 2025). Collection method: clinical testing. Allele origin: germline. Affected: yes.

CeGaT Center for Human Genetics Tuebingen
Classification: Likely pathogenic. Last evaluated: 2020-11-01. Review status: criteria provided, single submitter. Criteria: CeGaT Center For Human Genetics Tuebingen Variant Classification Criteria Version 2. Collection method: clinical testing. Allele origin: germline. Affected: yes. Observed: 1 variant allele.

NM_003119.4(SPG7):c.1998del (p.Met667fs)

Gene: SPG7 (SPG7 matrix AAA peptidase subunit, paraplegin; plus strand). Cytogenetic location: 16q24.3.
Variant type: Deletion.
Coding change: c.1998del on transcript NM_003119.4 (MANE Select); coding-DNA position 1998, one base deleted (G; older notation c.1998delG).
Protein change: p.Met667fs; shifts the reading frame from methionine 667.
Molecular consequence: frameshift variant.
Genome position (GRCh38, 1-based): chr16:89,553,855, G deleted; the last of 3 consecutive G bases (chr16:89,553,853-89,553,855); deleting any one gives the same sequence. VCF-style (leftmost placement, unchanged base first): chr16-89553852-TG-T. GRCh37 (hg19) VCF-style: chr16-89620260-TG-T.
Other names: c.1998del (NM_003119.2); c.1998del, p.Met667fs (NM_001363850.1); short protein forms M667fs.
Identifiers: ClinVar variation 1012418 (VCV001012418.39), dbSNP rs2058661636, ClinGen allele CA2241762915.